The following is an entry in ClinVar:

NM_001035.3(RYR2):c.2392A>G (p.Ile798Val)

Gene: RYR2 (ryanodine receptor 2; plus strand). Cytogenetic location: 1q43.
Variant type: single nucleotide variant.
Coding change: c.2392A>G on transcript NM_001035.3 (MANE Select); coding-DNA position 2392, A replaced by G.
Protein change: p.Ile798Val; replaces isoleucine 798 with valine.
Molecular consequence: missense variant.
Genome position (GRCh38, 1-based): chr1:237,500,899, A>G. VCF-style: chr1-237500899-A-G. GRCh37 (hg19) VCF-style: chr1-237664199-A-G.
Other names: short protein forms I798V.
Identifiers: ClinVar variation 2200838 (VCV002200838.4), dbSNP rs778711285, ClinGen allele CA39828704.

ClinVar aggregate classification (germline): Uncertain significance (1 of 4 stars; one submission).

Conditions:
Catecholaminergic polymorphic ventricular tachycardia 1. Also called: VENTRICULAR TACHYCARDIA, STRESS-INDUCED POLYMORPHIC 1; VENTRICULAR TACHYCARDIA, CATECHOLAMINERGIC POLYMORPHIC, 1, WITH OR WITHOUT ATRIAL DYSFUNCTION AND/OR DILATED CARDIOMYOPATHY; RYR2-Related Catecholaminergic Polymorphic Ventricular Tachycardia. Identifiers: Orphanet 3286, MedGen C1631597, MONDO:0011484, OMIM 604772.

Submission:

Labcorp Genetics (formerly Invitae), Labcorp
Classification: Uncertain significance for Catecholaminergic polymorphic ventricular tachycardia 1. Last evaluated: 2022-02-25. Review status: criteria provided, single submitter. Criteria: Invitae Variant Classification Sherloc (09022015). Collection method: clinical testing. Allele origin: germline.
Comment: This variant has not been reported in the literature in individuals affected with RYR2-related conditions. This variant is not present in population databases (gnomAD no frequency). This sequence change replaces isoleucine, which is neutral and non-polar, with valine, which is neutral and non-polar, at codon 798 of the RYR2 protein (p.Ile798Val). Advanced modeling of protein sequence and biophysical properties (such as structural, functional, and spatial information, amino acid conservation, physicochemical variation, residue mobility, and thermodynamic stability) performed at Invitae indicates that this missense variant is not expected to disrupt RYR2 protein function. In summary, the available evidence is currently insufficient to determine the role of this variant in disease. Therefore, it has been classified as a Variant of Uncertain Significance.